The following is an entry in ClinVar:

NM_000245.4(MET):c.2137G>A (p.Ala713Thr)

Gene: MET (MET proto-oncogene, receptor tyrosine kinase; plus strand). Cytogenetic location: 7q31.2.
Variant type: single nucleotide variant.
Coding change: c.2137G>A on transcript NM_000245.4 (MANE Select); coding-DNA position 2137, G replaced by A.
Protein change: p.Ala713Thr; replaces alanine 713 with threonine.
Molecular consequence: missense variant.
Genome position (GRCh38, 1-based): chr7:116,758,493, G>A. VCF-style: chr7-116758493-G-A. GRCh37 (hg19) VCF-style: chr7-116398547-G-A.
Other names: c.2137G>A, p.Ala713Thr (NM_001127500.3, NM_001324401.3); c.847G>A, p.Ala283Thr (NM_001324402.2); short protein forms A713T, A283T.
Identifiers: ClinVar variation 2910909 (VCV002910909.4), dbSNP rs762004763, ClinGen allele CA4448418.

ClinVar aggregate classification (germline): Uncertain significance. Review status: criteria provided, multiple submitters, no conflicts (2 of 4 stars). 2 submissions from 2 submitters: Uncertain significance (2). Last evaluated 2025-03-25.

Conditions:
Hereditary cancer-predisposing syndrome. Also called: Hereditary Cancer Syndrome; Tumor predisposition; Hereditary neoplastic syndrome; Neoplastic Syndromes, Hereditary. Identifiers: Orphanet 140162, MedGen C0027672, MeSH D009386, MONDO:0015356.
Renal cell carcinoma. Identifiers: Orphanet 217071, MedGen C0007134, MeSH D002292, MONDO:0005086, HP:0005584.

Allele frequency attached by ClinVar (database versions not stated): ExAC 0.00001.

Submissions (2):

Ambry Genetics
Classification: Uncertain significance for Hereditary cancer-predisposing syndrome. Last evaluated: 2025-03-25. Review status: criteria provided, single submitter. Criteria: Ambry Variant Classification Scheme 2023. Collection method: clinical testing. Allele origin: germline.
Comment: The p.A713T variant (also known as c.2137G>A), located in coding exon 8 of the MET gene, results from a G to A substitution at nucleotide position 2137. The alanine at codon 713 is replaced by threonine, an amino acid with similar properties. This amino acid position is not well conserved in available vertebrate species. In addition, this alteration is predicted to be tolerated by in silico analysis. Based on the available evidence, the clinical significance of this variant remains unclear.

Labcorp Genetics (formerly Invitae), Labcorp
Classification: Uncertain significance for Renal cell carcinoma. Last evaluated: 2023-02-14. Review status: criteria provided, single submitter. Criteria: Invitae Variant Classification Sherloc (09022015). Collection method: clinical testing. Allele origin: germline.
Comment: In summary, the available evidence is currently insufficient to determine the role of this variant in disease. Therefore, it has been classified as a Variant of Uncertain Significance. Algorithms developed to predict the effect of sequence changes on RNA splicing suggest that this variant may disrupt the consensus splice site. Advanced modeling of protein sequence and biophysical properties (such as structural, functional, and spatial information, amino acid conservation, physicochemical variation, residue mobility, and thermodynamic stability) performed at Invitae indicates that this missense variant is not expected to disrupt MET protein function. This variant has not been reported in the literature in individuals affected with MET-related conditions. This variant is present in population databases (rs762004763, gnomAD 0.0009%). This sequence change replaces alanine, which is neutral and non-polar, with threonine, which is neutral and polar, at codon 713 of the MET protein (p.Ala713Thr).